The following is an entry in ClinVar:

ClinVar aggregate classification (germline): Uncertain significance (1 of 4 stars; one submission).

Conditions:
Tumor predisposition syndrome 3 (TPDS3). Also called: Melanoma, cutaneous malignant, susceptibility to, 10; LONG TELOMERE SYNDROME, POT1-RELATED; POT1 Tumor Predisposition; Glioma susceptibility 9. Identifiers: Orphanet 618, MedGen C4014476, MONDO:0014368, OMIM 615848.

Submission:

Labcorp Genetics (formerly Invitae), Labcorp
Classification: Uncertain significance for Tumor predisposition syndrome 3. Last evaluated: 2020-12-31. Review status: criteria provided, single submitter. Criteria: Invitae Variant Classification Sherloc (09022015). Collection method: clinical testing. Allele origin: germline.
Comment: This variant has not been reported in the literature in individuals with POT1-related conditions. This variant is not present in population databases (ExAC no frequency). This sequence change replaces tyrosine with histidine at codon 610 of the POT1 protein (p.Tyr610His). The tyrosine residue is highly conserved and there is a moderate physicochemical difference between tyrosine and histidine. In summary, the available evidence is currently insufficient to determine the role of this variant in disease. Therefore, it has been classified as a Variant of Uncertain Significance. Algorithms developed to predict the effect of missense changes on protein structure and function are either unavailable or do not agree on the potential impact of this missense change (SIFT: "Deleterious"; PolyPhen-2: "Probably Damaging"; Align-GVGD: "Class C0").

NM_015450.3(POT1):c.1828T>C (p.Tyr610His)

Gene: POT1 (protection of telomeres 1; minus strand). Cytogenetic location: 7q31.33.
Variant type: single nucleotide variant.
Coding change: c.1828T>C on transcript NM_015450.3 (MANE Select); coding-DNA position 1828, T replaced by C.
Protein change: p.Tyr610His; replaces tyrosine 610 with histidine.
Molecular consequence: missense variant. On other transcripts: non-coding transcript variant (3).
Genome position (GRCh38, 1-based): chr7:124,824,039, A>G on the plus strand (T>C on the coding strand, the complement: POT1 is on the minus strand). VCF-style: chr7-124824039-A-G. GRCh37 (hg19) VCF-style: chr7-124464093-A-G.
Other names: c.1435T>C, p.Tyr479His (NM_001042594.2); short protein forms Y610H, Y479H.
Identifiers: ClinVar variation 1491701 (VCV001491701.8), dbSNP rs1327415212, ClinGen allele CA369061217.